The following is an entry in ClinVar:

NM_012471.3(TRPC5):c.30C>T (p.Asn10=)

Gene: TRPC5 (transient receptor potential cation channel subfamily C member 5; minus strand). Cytogenetic location: Xq23.
Variant type: single nucleotide variant.
Coding change: c.30C>T on transcript NM_012471.3 (MANE Select); coding-DNA position 30, C replaced by T.
Protein change: p.Asn10=; no amino-acid change (asparagine 10 retained).
Molecular consequence: synonymous variant.
Genome position (GRCh38, 1-based): chrX:111,952,391, G>A on the plus strand (C>T on the coding strand, the complement: TRPC5 is on the minus strand). VCF-style: chrX-111952391-G-A. GRCh37 (hg19) VCF-style: chrX-111195619-G-A.
Identifiers: ClinVar variation 3344865 (VCV003344865.1).
Genomic context (GRCh38, chrX:111,952,391, plus strand): 5'-AGAGAGCTCTGTCTCAGCCCTCACAATTTGCAGGGGGATGCGGTCTCTGTACGGTGAGTA[G>A]TTGACCTTTTTGTAGTACAGTTGGGCCATGGTTCATAGCAATGCAGAAATCTGAGTGAGG-3'
Protein context (NP_036603.1, residues 1-20): MAQLYYKKV[Asn10=]YSPYRDRIPL

ClinVar aggregate classification (germline): Likely benign (0 of 4 stars; one submission).

Conditions:
TRPC5-related disorder. Also called: TRPC5-related condition.

gnomAD v4.1: 6 of 1,206,501 alleles (0.0005%); highest among the groups gnomAD compares: African/African-American, 0.007%; no homozygotes.

Submission:

PreventionGenetics, part of Exact Sciences
Classification: Likely benign for TRPC5-related condition. Last evaluated: 2021-11-15. Review status: no assertion criteria provided. Collection method: clinical testing. Allele origin: germline.
Comment: This variant is classified as likely benign based on ACMG/AMP sequence variant interpretation guidelines (Richards et al. 2015 PMID: 25741868, with internal and published modifications).